The following is an entry in ClinVar:

NM_001323289.2(CDKL5):c.1942C>T (p.Gln648Ter)

Gene: CDKL5 (cyclin dependent kinase like 5; plus strand). Cytogenetic location: Xp22.13.
Variant type: single nucleotide variant.
Coding change: c.1942C>T on transcript NM_001323289.2 (MANE Select); coding-DNA position 1942, C replaced by T.
Protein change: p.Gln648Ter; replaces glutamine 648 with a stop codon.
Molecular consequence: nonsense.
Genome position (GRCh38, 1-based): chrX:18,604,866, C>T. VCF-style: chrX-18604866-C-T. GRCh37 (hg19) VCF-style: chrX-18622986-C-T.
Other names: NM_003159.3:c.1942C>T; c.1942C>T, p.Gln648Ter (NM_001037343.2, NM_003159.3); short protein forms Q648*.
Identifiers: ClinVar variation 3343984 (VCV003343984.2).

ClinVar aggregate classification (germline): Pathogenic/Likely pathogenic. Review status: criteria provided, multiple submitters, no conflicts (2 of 4 stars). 2 submissions from 2 submitters: Pathogenic (1); Likely pathogenic (1). Last evaluated 2025-10-01.

Conditions:
Angelman syndrome-like. Identifiers: MedGen CN128785.
Developmental and epileptic encephalopathy, 2 (DEE2). Also called: INFANTILE SPASM SYNDROME, X-LINKED 2; CDKL5 deficiency disorder. Identifiers: Orphanet 1934, Orphanet 3451, Orphanet 505652, MedGen C4750718, MONDO:0010396, OMIM 300672.
CDKL5 disorder. Identifiers: MedGen CN296942, MONDO:0100039.

Submissions (2):

Labcorp Genetics (formerly Invitae), Labcorp
Classification: Pathogenic for Developmental and epileptic encephalopathy, 2; Angelman syndrome-like. Last evaluated: 2025-10-01. Review status: criteria provided, single submitter. Criteria: Invitae Variant Classification Sherloc (09022015). Collection method: clinical testing. Allele origin: germline.
Comment: This sequence change creates a premature translational stop signal (p.Gln648*) in the CDKL5 gene. It is expected to result in an absent or disrupted protein product. Loss-of-function variants in CDKL5 are known to be pathogenic (PMID: 22872100). This variant is not present in population databases (gnomAD no frequency). This premature translational stop signal has been observed in individual(s) with CDKL5-related conditions (PMID: 27290639). ClinVar contains an entry for this variant (Variation ID: 3343984). Algorithms developed to predict the effect of sequence changes on RNA splicing suggest that this variant may disrupt the consensus splice site. For these reasons, this variant has been classified as Pathogenic.

Centre for Population Genomics, CPG
Classification: Likely pathogenic for CDKL5 disorder. Last evaluated: 2024-08-23. Review status: criteria provided, single submitter. Criteria: McKnight et al. (Hum Mutat. 2022). Collection method: curation. Allele origin: germline. Inheritance: X-linked inheritance.
Comment: This variant has been collected from RettBASE and curated to current modified ACMG/AMP criteria. Based on the classification scheme defined by the ClinGen Rett/Angelman-like Expert Panel for Rett/AS-like Disorders Specifications to the ACMG/AMP Variant Interpretation Guidelines VCEP 3.0, this variant is classified as likely pathogenic. At least the following criteria are met: Predicted to result in loss of function, and LOF is a known mechanism of disease (PVS1). This variant is absent from gnomAD v4 (PM2_Supporting).

Literature cited by the submitters: PubMed 22872100 (cited by Labcorp Genetics (formerly Invitae), Labcorp); PubMed 27290639 (cited by Labcorp Genetics (formerly Invitae), Labcorp).